The following is an entry in ClinVar:

ClinVar aggregate classification (germline): Likely benign (1 of 4 stars; one submission).

Allele frequency attached by ClinVar (database versions not stated): gnomAD 0.00003; TOPMed 0.00004; gnomAD exomes 0.00005; ExAC 0.00008; ESP Exome Variant Server 0.00008.
gnomAD v4.1: 86 of 1,612,868 alleles (0.0053%); highest among the groups gnomAD compares: South Asian, 0.038%; no homozygotes.

Submission:

CeGaT Center for Human Genetics Tuebingen
Classification: Likely benign. Last evaluated: 2023-02-01. Review status: criteria provided, single submitter. Criteria: CeGaT Center For Human Genetics Tuebingen Variant Classification Criteria Version 2. Collection method: clinical testing. Allele origin: germline. Affected: yes. Observed: 1 variant allele.
Comment: KDM4B: BP4, BP7

NM_015015.3(KDM4B):c.195C>T (p.Asp65=)

Gene: KDM4B (lysine demethylase 4B; plus strand). Cytogenetic location: 19p13.3.
Variant type: single nucleotide variant.
Coding change: c.195C>T on transcript NM_015015.3 (MANE Select); coding-DNA position 195, C replaced by T.
Protein change: p.Asp65=; no amino-acid change (aspartic acid 65 retained).
Molecular consequence: synonymous variant.
Genome position (GRCh38, 1-based): chr19:5,039,889, C>T. VCF-style: chr19-5039889-C-T. GRCh37 (hg19) VCF-style: chr19-5039900-C-T.
Other names: c.195C>T, p.Asp65= (NM_001370093.1, NM_001370094.1, NM_001411148.1).
Identifiers: ClinVar variation 2649086 (VCV002649086.24), dbSNP rs141838567, ClinGen allele CA9107258.